The following is an entry in ClinVar:

NM_017882.3(CLN6):c.873G>A (p.Pro291=)

Gene: CLN6 (CLN6 transmembrane ER protein; minus strand). Cytogenetic location: 15q23.
Variant type: single nucleotide variant.
Coding change: c.873G>A on transcript NM_017882.3 (MANE Select); coding-DNA position 873, G replaced by A.
Protein change: p.Pro291=; no amino-acid change (proline 291 retained).
Molecular consequence: synonymous variant.
Genome position (GRCh38, 1-based): chr15:68,208,203, C>T on the plus strand (G>A on the coding strand, the complement: CLN6 is on the minus strand). VCF-style: chr15-68208203-C-T. GRCh37 (hg19) VCF-style: chr15-68500541-C-T.
Identifiers: ClinVar variation 384955 (VCV000384955.14), dbSNP rs567275786, ClinGen allele CA7630454.
Genomic context (GRCh38, chr15:68,208,203, plus strand): 5'-GTGCCGACTGCTGACGTGAAGGGTGTAGAAAGCCCAGGGCTCAGGGACGTAGATGACACC[C>T]GGGTACTTCTTCCTGAGAACAGGGTCATTCCACAGCCAGGCGACCCAGAGCGCCACAAGC-3'
Protein context (NP_060352.1, residues 281-301): WNDPVLRKKY[Pro291=]GVIYVPEPWA

ClinVar aggregate classification (germline): Likely benign. Review status: criteria provided, multiple submitters, no conflicts (2 of 4 stars). 3 submissions from 3 submitters: Likely benign (2). 1 of the submissions does not count toward it. Last evaluated 2024-11-13.

Conditions:
CLN6-related disorder. Also called: CLN6-related condition.
Neuronal ceroid lipofuscinosis. Also called: Neuronal Ceroid Lipofuscinoses. Identifiers: Orphanet 216, Orphanet 79263, MedGen C0027877, MONDO:0016295. Disease mechanism: loss of function.

Allele frequency attached by ClinVar (database versions not stated): gnomAD exomes 0.00001; 1000 Genomes Project 30x 0.00016; 1000 Genomes Project 0.00020.
gnomAD v4.1: 15 of 1,613,570 alleles (0.00093%); highest among the groups gnomAD compares: Admixed American, 0.0017%; no homozygotes.

Submissions (3):

Labcorp Genetics (formerly Invitae), Labcorp
Classification: Likely benign for Neuronal ceroid lipofuscinosis. Last evaluated: 2024-11-13. Review status: criteria provided, single submitter. Criteria: Invitae Variant Classification Sherloc (09022015). Collection method: clinical testing. Allele origin: germline.

GeneDx
Classification: Likely benign. Last evaluated: 2016-03-31. Review status: criteria provided, single submitter. Criteria: GeneDx Variant Classification (06012015). Collection method: clinical testing. Allele origin: germline. Affected: yes.
Comment: This variant is considered likely benign or benign based on one or more of the following criteria: it is a conservative change, it occurs at a poorly conserved position in the protein, it is predicted to be benign by multiple in silico algorithms, and/or has population frequency not consistent with disease.

PreventionGenetics, part of Exact Sciences
Classification: Likely benign for CLN6-related condition. Last evaluated: 2020-04-08. Review status: no assertion criteria provided. Collection method: clinical testing. Allele origin: germline. Not counted in ClinVar's aggregate classification.
Comment: This variant is classified as likely benign based on ACMG/AMP sequence variant interpretation guidelines (Richards et al. 2015 PMID: 25741868, with internal and published modifications).